The following is an entry in ClinVar:

NM_000057.4(BLM):c.3154C>T (p.Pro1052Ser)

Gene: BLM (BLM RecQ like helicase; plus strand). Cytogenetic location: 15q26.1.
Variant type: single nucleotide variant.
Coding change: c.3154C>T on transcript NM_000057.4 (MANE Select); coding-DNA position 3154, C replaced by T.
Protein change: p.Pro1052Ser; replaces proline 1052 with serine.
Molecular consequence: missense variant.
Genome position (GRCh38, 1-based): chr15:90,794,301, C>T. VCF-style: chr15-90794301-C-T. GRCh37 (hg19) VCF-style: chr15-91337531-C-T.
Other names: c.3154C>T, p.Pro1052Ser (NM_001287246.2, NM_001287247.2); c.2029C>T, p.Pro677Ser (NM_001287248.2); short protein forms P677S, P1052S.
Identifiers: ClinVar variation 1728221 (VCV001728221.4), dbSNP rs1596260044, ClinGen allele CA393846956.

ClinVar aggregate classification (germline): Uncertain significance. Review status: criteria provided, multiple submitters, no conflicts (2 of 4 stars). 2 submissions from 2 submitters: Uncertain significance (2). Last evaluated 2023-02-18.

Conditions:
Hereditary cancer-predisposing syndrome. Also called: Tumor predisposition; Neoplastic Syndromes, Hereditary; Hereditary Cancer Syndrome; Hereditary neoplastic syndrome. Identifiers: Orphanet 140162, MedGen C0027672, MeSH D009386, MONDO:0015356.
Bloom syndrome (BLM). Also called: Bloom-Torre-Machacek syndrome. Identifiers: Orphanet 125, MedGen C0005859, MONDO:0008876, OMIM 210900.

Submissions (2):

Labcorp Genetics (formerly Invitae), Labcorp
Classification: Uncertain significance for Bloom syndrome. Last evaluated: 2023-02-18. Review status: criteria provided, single submitter. Criteria: Invitae Variant Classification Sherloc (09022015). Collection method: clinical testing. Allele origin: germline.
Comment: In summary, the available evidence is currently insufficient to determine the role of this variant in disease. Therefore, it has been classified as a Variant of Uncertain Significance. Advanced modeling of protein sequence and biophysical properties (such as structural, functional, and spatial information, amino acid conservation, physicochemical variation, residue mobility, and thermodynamic stability) performed at Invitae indicates that this missense variant is not expected to disrupt BLM protein function. ClinVar contains an entry for this variant (Variation ID: 1728221). This variant has not been reported in the literature in individuals affected with BLM-related conditions. This variant is not present in population databases (gnomAD no frequency). This sequence change replaces proline, which is neutral and non-polar, with serine, which is neutral and polar, at codon 1052 of the BLM protein (p.Pro1052Ser).

Ambry Genetics
Classification: Uncertain significance for Hereditary cancer-predisposing syndrome. Last evaluated: 2022-02-01. Review status: criteria provided, single submitter. Criteria: Ambry Variant Classification Scheme 2023. Collection method: clinical testing. Allele origin: germline.
Comment: The p.P1052S variant (also known as c.3154C>T), located in coding exon 15 of the BLM gene, results from a C to T substitution at nucleotide position 3154. The proline at codon 1052 is replaced by serine, an amino acid with similar properties. This amino acid position is not well conserved in available vertebrate species. In addition, this alteration is predicted to be tolerated by in silico analysis. Since supporting evidence is limited at this time, the clinical significance of this alteration remains unclear.